The following is an entry in ClinVar:

NM_006158.5(NEFL):c.64C>G (p.Pro22Ala)

Gene: NEFL (neurofilament light chain; minus strand). Cytogenetic location: 8p21.2.
Variant type: single nucleotide variant.
Coding change: c.64C>G on transcript NM_006158.5 (MANE Select); coding-DNA position 64, C replaced by G.
Protein change: p.Pro22Ala; replaces proline 22 with alanine.
Molecular consequence: missense variant.
Genome position (GRCh38, 1-based): chr8:24,956,452, G>C on the plus strand (C>G on the coding strand, the complement: NEFL is on the minus strand). VCF-style: chr8-24956452-G-C. GRCh37 (hg19) VCF-style: chr8-24813966-G-C.
Other names: short protein forms P22A.
Identifiers: ClinVar variation 1051157 (VCV001051157.3), dbSNP rs28928910, ClinGen allele CA370624145.

ClinVar aggregate classification (germline): Uncertain significance (1 of 4 stars; one submission).

Conditions:
Charcot-Marie-Tooth disease type 2E (CMT2E). Also called: CHARCOT-MARIE-TOOTH DISEASE, AXONAL, TYPE 2E; CHARCOT-MARIE-TOOTH NEUROPATHY, TYPE 2E. Identifiers: Orphanet 99939, MedGen C1843225, MONDO:0011894, OMIM 607684.

Submission:

Labcorp Genetics (formerly Invitae), Labcorp
Classification: Uncertain significance for Charcot-Marie-Tooth disease type 2E. Last evaluated: 2020-01-15. Review status: criteria provided, single submitter. Criteria: Invitae Variant Classification Sherloc (09022015). Collection method: clinical testing. Allele origin: germline.
Comment: This sequence change replaces proline with alanine at codon 22 of the NEFL protein (p.Pro22Ala). The proline residue is highly conserved and there is a small physicochemical difference between proline and alanine. This variant is not present in population databases (ExAC no frequency). This variant has not been reported in the literature in individuals with NEFL-related conditions. Experimental studies and prediction algorithms are not available or were not evaluated, and the functional significance of this variant is currently unknown. In summary, the available evidence is currently insufficient to determine the role of this variant in disease. Therefore, it has been classified as a Variant of Uncertain Significance.